The following is an entry in ClinVar:

ClinVar aggregate classification (germline): Uncertain significance (1 of 4 stars; one submission).

Allele frequency attached by ClinVar (database versions not stated): gnomAD exomes below 0.00001.
gnomAD v4.1: 1 of 1,212,292 alleles (0.000082%); highest among the groups gnomAD compares: Non-Finnish European, 0.00011%; no homozygotes.

Submission:

GeneDx
Classification: Uncertain significance. Last evaluated: 2023-04-04. Review status: criteria provided, single submitter. Criteria: GeneDx Variant Classification Process June 2021. Collection method: clinical testing. Allele origin: germline. Affected: yes.
Comment: Has not been previously published as pathogenic or benign to our knowledge; Not observed at significant frequency in large population cohorts (gnomAD); In silico analysis supports that this missense variant has a deleterious effect on protein structure/function

NM_001123385.2(BCOR):c.1775C>A (p.Pro592Gln)

Gene: BCOR (BCL6 corepressor; minus strand). Cytogenetic location: Xp11.4.
Variant type: single nucleotide variant.
Coding change: c.1775C>A on transcript NM_001123385.2 (MANE Select); coding-DNA position 1775, C replaced by A.
Protein change: p.Pro592Gln; replaces proline 592 with glutamine.
Molecular consequence: missense variant.
Genome position (GRCh38, 1-based): chrX:40,073,571, G>T on the plus strand (C>A on the coding strand, the complement: BCOR is on the minus strand). VCF-style: chrX-40073571-G-T. GRCh37 (hg19) VCF-style: chrX-39932824-G-T.
Other names: c.1775C>A, p.Pro592Gln (NM_001123383.2, NM_001123384.2, NM_017745.6); short protein forms P592Q.
Identifiers: ClinVar variation 1313278 (VCV001313278.3), dbSNP rs765667331, ClinGen allele CA412744471.